The following is an entry in ClinVar:

ClinVar aggregate classification (germline): Pathogenic (1 of 4 stars; one submission).

Conditions:
Intellectual developmental disorder, autosomal dominant 1. Also called: Intellectual disability, autosomal dominant 1; MBD5 Haploinsufficiency. Identifiers: Orphanet 228402, MedGen C1969562, MONDO:0007974, OMIM 156200.

Submission:

Labcorp Genetics (formerly Invitae), Labcorp
Classification: Pathogenic for Intellectual developmental disorder, autosomal dominant 1. Last evaluated: 2023-07-19. Review status: criteria provided, single submitter. Criteria: Invitae Variant Classification Sherloc (09022015). Collection method: clinical testing. Allele origin: germline.
Comment: For these reasons, this variant has been classified as Pathogenic. This variant has not been reported in the literature in individuals affected with MBD5-related conditions. This variant is not present in population databases (gnomAD no frequency). This sequence change creates a premature translational stop signal (p.Gln26*) in the MBD5 gene. It is expected to result in an absent or disrupted protein product. Loss-of-function variants in MBD5 are known to be pathogenic (PMID: 23422940, 23587880).

Literature cited by the submitters: PubMed 23422940; PubMed 23587880.

NM_001378120.1(MBD5):c.76C>T (p.Gln26Ter)

Gene: MBD5 (methyl-CpG binding domain protein 5; plus strand). Cytogenetic location: 2q23.1.
Variant type: single nucleotide variant.
Coding change: c.76C>T on transcript NM_001378120.1 (MANE Select); coding-DNA position 76, C replaced by T.
Protein change: p.Gln26Ter; replaces glutamine 26 with a stop codon.
Molecular consequence: nonsense.
Genome position (GRCh38, 1-based): chr2:148,458,834, C>T. VCF-style: chr2-148458834-C-T. GRCh37 (hg19) VCF-style: chr2-149216403-C-T.
Other names: c.76C>T, p.Gln26Ter (NM_018328.5); short protein forms Q26*.
Identifiers: ClinVar variation 2744900 (VCV002744900.3), dbSNP rs2469778111, ClinGen allele CA348715584.